The following is an entry in ClinVar:

NC_000005.9:g.(?_131719819)_(131720013_?)del

Gene: SLC22A5 (solute carrier family 22 member 5; plus strand). Cytogenetic location: 5q31.1.
Variant type: Deletion.
Identifiers: ClinVar variation 3246300 (VCV003246300.1).

ClinVar aggregate classification (germline): Pathogenic (1 of 4 stars; one submission).

Conditions:
Renal carnitine transport defect (CDSP). Also called: Carnitine transporter deficiency; Carnitine Deficiency, Systemic; Systemic primary carnitine deficiency disease; CARNITINE DEFICIENCY, SYSTEMIC, DUE TO DEFECT IN RENAL REABSORPTION OF CARNITINE; CARNITINE TRANSPORTER, PLASMA-MEMBRANE, DEFICIENCY OF; CARNITINE UPTAKE DEFECT. Identifiers: Orphanet 158, MedGen C0342788, MONDO:0008919, OMIM 212140.

Submission:

Labcorp Genetics (formerly Invitae), Labcorp
Classification: Pathogenic for Renal carnitine transport defect. Last evaluated: 2024-01-02. Review status: criteria provided, single submitter. Criteria: Invitae Variant Classification Sherloc (09022015). Collection method: clinical testing. Allele origin: unknown.
Comment: This variant is a gross deletion of the genomic region encompassing exon(s) 3 of the SLC22A5 gene. This deletion is out-of-frame, and is expected to create a premature termination codon and result in an absent or disrupted protein product. Loss-of-function variants in SLC22A5 are known to be pathogenic (PMID: 9916797). A similar copy number variant has been observed in individual(s) with carnitine deficiency (PMID: 28841266). For these reasons, this variant has been classified as Pathogenic.

Literature cited by the submitters: PubMed 9916797; PubMed 28841266.